The following is an entry in ClinVar:

NM_000179.3(MSH6):c.703_709del (p.Thr235fs)

Gene: MSH6 (mutS homolog 6; plus strand). Cytogenetic location: 2p16.3.
Variant type: Deletion.
Coding change: c.703_709del on transcript NM_000179.3 (MANE Select); coding-DNA positions 703 to 709, 7 bases deleted (ACACAAG; older notation c.703_709delACACAAG).
Protein change: p.Thr235fs; shifts the reading frame from threonine 235.
Molecular consequence: frameshift variant. On other transcripts: 5 prime UTR variant (2).
Genome position (GRCh38, 1-based): chr2:47,798,686-47,798,692, ACACAAG deleted; deleting any 7 consecutive bases within chr2:47,798,683-47,798,692 gives the same sequence; the c. name uses the placement nearest the transcript's 3' end. VCF-style (leftmost placement, unchanged base first): chr2-47798682-TAAGACAC-T. GRCh37 (hg19) VCF-style: chr2-48025821-TAAGACAC-T.
Other names: c.313_319del, p.Thr105fs (NM_001281492.2); c.-204_-198del (NM_001281493.2, NM_001281494.2); c.703_709delACACAAG (NM_000179.2); short protein forms T105fs, T235fs.
Identifiers: ClinVar variation 579707 (VCV000579707.7), dbSNP rs1558658980, ClinGen allele CA891842823.
Genomic context (GRCh38, chr2:47,798,682, plus strand): 5'-TTACGTAACAGATAAGAGTGAAGAAGATAATGAAATTGAGAGTGAAGAGGAAGTACAGCC[TAAGACAC>T]AAGGATCTAGGCGAAGTAGCCGCCAAATAAAAAAACGAAGGGTCATATCAGATTCTGAGA-3'

ClinVar aggregate classification (germline): Pathogenic (1 of 4 stars; one submission).

Conditions:
Hereditary nonpolyposis colorectal neoplasms. Identifiers: MedGen C0009405, MeSH D003123.

Submission:

Labcorp Genetics (formerly Invitae), Labcorp
Classification: Pathogenic for Hereditary nonpolyposis colorectal neoplasms. Last evaluated: 2018-03-07. Review status: criteria provided, single submitter. Criteria: Invitae Variant Classification Sherloc (09022015). Collection method: clinical testing. Allele origin: germline.
Comment: For these reasons, this variant has been classified as Pathogenic. Loss-of-function variants in MSH6 are known to be pathogenic (PMID: 18269114, 24362816). This variant has not been reported in the literature in individuals with MSH6-related disease. This variant is not present in population databases (ExAC no frequency). This sequence change creates a premature translational stop signal (p.Thr235Aspfs*9) in the MSH6 gene. It is expected to result in an absent or disrupted protein product.

Literature cited by the submitters: PubMed 18269114; PubMed 24362816.